The following is an entry in ClinVar:

ClinVar aggregate classification (germline): Uncertain significance (1 of 4 stars; one submission).

Conditions:
Epidermolysis bullosa simplex 5C, with pyloric atresia (EBS5C). Also called: PLEC-Related Epidermolysis Bullosa with Pyloric Atresia; Epidermolysis bullosa simplex with pyloric atresia; PLEC1-Related Epidermolysis Bullosa with Pyloric Atresia. Identifiers: Orphanet 158684, MedGen C2677349, MONDO:0012807, OMIM 612138.
Autosomal recessive limb-girdle muscular dystrophy type 2Q (LGMDR17). Also called: MUSCULAR DYSTROPHY, LIMB-GIRDLE, AUTOSOMAL RECESSIVE 17. Identifiers: Orphanet 254361, MedGen C3150989, MONDO:0013390, OMIM 613723.
Epidermolysis bullosa simplex, Ogna type (EBS5A). Also called: Pidermolysis bullosa simplex 5A, Ogna type; EPIDERMOLYSIS BULLOSA SIMPLEX 5A, OGNA TYPE. Identifiers: Orphanet 79401, MedGen C0432317, MONDO:0007555, OMIM 131950.
Epidermolysis bullosa simplex 5B, with muscular dystrophy (EBS5B). Also called: Epidermolysis bullosa simplex with muscular dystrophy; EPIDERMOLYSIS BULLOSA SIMPLEX AND LIMB-GIRDLE MUSCULAR DYSTROPHY. Identifiers: Orphanet 257, MedGen C2931072, MONDO:0009181, OMIM 226670.
Epidermolysis bullosa simplex with nail dystrophy (EBS5D). Identifiers: MedGen C4225309, MONDO:0014661, OMIM 616487.

Submission:

Labcorp Genetics (formerly Invitae), Labcorp
Classification: Uncertain significance for Autosomal recessive limb-girdle muscular dystrophy type 2Q; Epidermolysis bullosa simplex, Ogna type; Epidermolysis bullosa simplex with nail dystrophy; Epidermolysis bullosa simplex 5C, with pyloric atresia; Epidermolysis bullosa simplex 5B, with muscular dystrophy. Last evaluated: 2022-02-24. Review status: criteria provided, single submitter. Criteria: Invitae Variant Classification Sherloc (09022015). Collection method: clinical testing. Allele origin: germline.
Comment: In summary, the available evidence is currently insufficient to determine the role of this variant in disease. Therefore, it has been classified as a Variant of Uncertain Significance. Algorithms developed to predict the effect of missense changes on protein structure and function output the following: SIFT: "Tolerated"; PolyPhen-2: "Benign"; Align-GVGD: "Class C0". The glutamic acid amino acid residue is found in multiple mammalian species, which suggests that this missense change does not adversely affect protein function. This variant has not been reported in the literature in individuals affected with PLEC-related conditions. This variant is not present in population databases (gnomAD no frequency). This sequence change replaces aspartic acid, which is acidic and polar, with glutamic acid, which is acidic and polar, at codon 3862 of the PLEC protein (p.Asp3862Glu).

NM_201384.3(PLEC):c.11505C>A (p.Asp3835Glu)

Gene: PLEC (plectin; minus strand). Cytogenetic location: 8q24.3.
Variant type: single nucleotide variant.
Coding change: c.11505C>A on transcript NM_201384.3 (MANE Select); coding-DNA position 11505, C replaced by A.
Protein change: p.Asp3835Glu; replaces aspartic acid 3835 with glutamic acid.
Molecular consequence: missense variant.
Genome position (GRCh38, 1-based): chr8:143,918,316, G>T on the plus strand (C>A on the coding strand, the complement: PLEC is on the minus strand). VCF-style: chr8-143918316-G-T. GRCh37 (hg19) VCF-style: chr8-144992484-G-T.
Other names: c.11586C>A, p.Asp3862Glu (NM_000445.5); c.8205C>A, p.Asp2735Glu (NM_001410941.1); c.11463C>A, p.Asp3821Glu (NM_201378.4); c.11439C>A, p.Asp3813Glu (NM_201379.3); c.11916C>A, p.Asp3972Glu (NM_201380.4); c.11409C>A, p.Asp3803Glu (NM_201381.3); c.11505C>A, p.Asp3835Glu (NM_201382.4); c.11517C>A, p.Asp3839Glu (NM_201383.3); short protein forms D2735E, D3862E, D3813E, D3821E, D3839E, D3803E, D3835E, D3972E.
Identifiers: ClinVar variation 2102873 (VCV002102873.4), dbSNP rs1554674795, ClinGen allele CA372490265.